The following is an entry in ClinVar:

ClinVar aggregate classification (germline): Uncertain significance (1 of 4 stars; one submission).

Conditions:
Hepatoencephalopathy due to combined oxidative phosphorylation defect type 1. Also called: HEPATOENCEPHALOPATHY, EARLY FATAL PROGRESSIVE. Identifiers: Orphanet 137681, MedGen C1836797, MONDO:0012191, OMIM 609060.

Submission:

Diagnostics Services (NGS), CSIR - Centre For Cellular And Molecular Biology
Classification: Uncertain significance for Hepatoencephalopathy due to combined oxidative phosphorylation defect type 1. Last evaluated: 2022-11-23. Review status: criteria provided, single submitter. Criteria: ACMG Guidelines, 2015. Collection method: clinical testing. Allele origin: unknown. Affected: yes. Observed: 1 variant allele, 1 heterozygote.
Comment: The c.1897G>C variant is not present in 1000 Genomes, EVS, ExAC, gnomAD, Indian Exome Database or our in-house exome database. The variant has neither been published nor reported to clinical databases like ClinVar, Human Genome Mutation Database (HGMD) or OMIM, in any affected individuals. In silico pathogenicity prediction programs like SIFT, PolyPhen2, MutationTaster2, CADD etc predicted this variant to be likely deleterious, however these predictions were not confirmed by any published functional studies.

NM_024996.7(GFM1):c.1897G>C (p.Ala633Pro)

Gene: GFM1 (G elongation factor mitochondrial 1; plus strand). Cytogenetic location: 3q25.32.
Variant type: single nucleotide variant.
Coding change: c.1897G>C on transcript NM_024996.7 (MANE Select); coding-DNA position 1897, G replaced by C.
Protein change: p.Ala633Pro; replaces alanine 633 with proline.
Molecular consequence: missense variant. On other transcripts: non-coding transcript variant (2).
Genome position (GRCh38, 1-based): chr3:158,684,656, G>C. VCF-style: chr3-158684656-G-C. GRCh37 (hg19) VCF-style: chr3-158402445-G-C.
Other names: c.1954G>C, p.Ala652Pro (NM_001308164.2); c.1816G>C, p.Ala606Pro (NM_001374355.1); c.1780G>C, p.Ala594Pro (NM_001374356.1); c.1672G>C, p.Ala558Pro (NM_001374357.1); c.1438G>C, p.Ala480Pro (NM_001374358.1); c.1330G>C, p.Ala444Pro (NM_001374359.1, NM_001374360.1); c.1213G>C, p.Ala405Pro (NM_001374361.1); short protein forms A405P, A444P, A480P, A558P, A594P, A606P, A633P, A652P.
Identifiers: ClinVar variation 1802271 (VCV001802271.3), dbSNP rs2473046091, ClinGen allele CA355182194.